The following is an entry in ClinVar:

NM_015512.5(DNAH1):c.503T>C (p.Leu168Pro)

Gene: DNAH1 (dynein axonemal heavy chain 1; plus strand). Cytogenetic location: 3p21.1.
Variant type: single nucleotide variant.
Coding change: c.503T>C on transcript NM_015512.5 (MANE Select); coding-DNA position 503, T replaced by C.
Protein change: p.Leu168Pro; replaces leucine 168 with proline.
Molecular consequence: missense variant.
Genome position (GRCh38, 1-based): chr3:52,326,236, T>C. VCF-style: chr3-52326236-T-C. GRCh37 (hg19) VCF-style: chr3-52360252-T-C.
Other names: short protein forms L168P.
Identifiers: ClinVar variation 478454 (VCV000478454.5), dbSNP rs374290346, ClinGen allele CA2432658.

ClinVar aggregate classification (germline): Uncertain significance. Review status: criteria provided, multiple submitters, no conflicts (2 of 4 stars). 3 submissions from 3 submitters: Uncertain significance (3). Last evaluated 2024-05-24.

Conditions:
Spermatogenic failure 18. Identifiers: MedGen C4539783, MONDO:0054615, OMIM 617576.
Ciliary dyskinesia, primary, 37 (CILD37). Also called: CILIARY DYSKINESIA, PRIMARY, 37, WITH OR WITHOUT SITUS INVERSUS. Identifiers: MedGen C4539798, MONDO:0033204, OMIM 617577.

Allele frequency attached by ClinVar (database versions not stated): gnomAD 0.00003 and 0.00004; TOPMed 0.00003; ExAC 0.00004; gnomAD exomes 0.00004 and 0.00006; ESP Exome Variant Server 0.00008.
gnomAD v4.1: 92 of 1,613,090 alleles (0.0057%); highest among the groups gnomAD compares: Non-Finnish European, 0.0077%; no homozygotes.

Submissions (3):

Blueprint Genetics
Classification: Uncertain significance. Last evaluated: 2024-05-24. Review status: criteria provided, single submitter. Criteria: ACMG Guidelines, 2015. Collection method: clinical testing. Allele origin: germline.

Ambry Genetics
Classification: Uncertain significance. Last evaluated: 2023-05-08. Review status: criteria provided, single submitter. Criteria: Ambry Variant Classification Scheme 2023. Collection method: clinical testing. Allele origin: germline.

Labcorp Genetics (formerly Invitae), Labcorp
Classification: Uncertain significance for Ciliary dyskinesia, primary, 37; Spermatogenic failure 18. Last evaluated: 2021-09-02. Review status: criteria provided, single submitter. Criteria: Invitae Variant Classification Sherloc (09022015). Collection method: clinical testing. Allele origin: germline.
Comment: This sequence change replaces leucine with proline at codon 168 of the DNAH1 protein (p.Leu168Pro). The leucine residue is moderately conserved and there is a moderate physicochemical difference between leucine and proline. This variant is present in population databases (rs374290346, ExAC 0.007%). This variant has not been reported in the literature in individuals affected with DNAH1-related conditions. Algorithms developed to predict the effect of missense changes on protein structure and function output the following: SIFT: "Deleterious"; PolyPhen-2: "Benign"; Align-GVGD: "Class C0". The proline amino acid residue is found in multiple mammalian species, which suggests that this missense change does not adversely affect protein function. In summary, the available evidence is currently insufficient to determine the role of this variant in disease. Therefore, it has been classified as a Variant of Uncertain Significance.